The following is an entry in ClinVar:

NM_053025.4(MYLK):c.290A>G (p.His97Arg)

Gene: MYLK (myosin light chain kinase; minus strand). Cytogenetic location: 3q21.1.
Variant type: single nucleotide variant.
Coding change: c.290A>G on transcript NM_053025.4 (MANE Select); coding-DNA position 290, A replaced by G.
Protein change: p.His97Arg; replaces histidine 97 with arginine.
Molecular consequence: missense variant. On other transcripts: intron variant (1).
Genome position (GRCh38, 1-based): chr3:123,752,414, T>C on the plus strand (A>G on the coding strand, the complement: MYLK is on the minus strand). VCF-style: chr3-123752414-T-C. GRCh37 (hg19) VCF-style: chr3-123471261-T-C.
Other names: c.290A>G, p.His97Arg (NM_053026.4, NM_053027.4, NM_053028.4); c.-155-12413A>G (NM_001321309.2); short protein forms H97R.
Identifiers: ClinVar variation 1797554 (VCV001797554.4), dbSNP rs756800370, ClinGen allele CA069371.

ClinVar aggregate classification (germline): Conflicting classifications of pathogenicity. Review status: criteria provided, conflicting classifications (1 of 4 stars). 2 submissions from 2 submitters: Uncertain significance (1); Likely benign (1). Last evaluated 2022-10-08.

Conditions:
Familial thoracic aortic aneurysm and aortic dissection (TAAD). Also called: Thoracic aortic aneurysms and dissections. Identifiers: Orphanet 91387, MedGen C4707243, MONDO:0019625.
Aortic aneurysm, familial thoracic 7 (AAT7). Also called: AORTIC DISSECTION, FAMILIAL, WITH OR WITHOUT AORTIC ANEURYSM. Identifiers: MedGen C3151077, MONDO:0013418, OMIM 613780.

Allele frequency attached by ClinVar (database versions not stated): TOPMed 0.00002; ExAC 0.00003; gnomAD 0.00003.
gnomAD v4.1: 33 of 1,614,056 alleles (0.002%); highest among the groups gnomAD compares: Middle Eastern, 0.16%; no homozygotes.

Submissions (2):

Labcorp Genetics (formerly Invitae), Labcorp
Classification: Uncertain significance for Aortic aneurysm, familial thoracic 7. Last evaluated: 2022-10-08. Review status: criteria provided, single submitter. Criteria: Invitae Variant Classification Sherloc (09022015). Collection method: clinical testing. Allele origin: germline.
Comment: This sequence change replaces histidine, which is basic and polar, with arginine, which is basic and polar, at codon 97 of the MYLK protein (p.His97Arg). This variant is present in population databases (rs756800370, gnomAD 0.007%). This variant has not been reported in the literature in individuals affected with MYLK-related conditions. Advanced modeling of protein sequence and biophysical properties (such as structural, functional, and spatial information, amino acid conservation, physicochemical variation, residue mobility, and thermodynamic stability) performed at Invitae indicates that this missense variant is not expected to disrupt MYLK protein function. Algorithms developed to predict the effect of sequence changes on RNA splicing suggest that this variant may create or strengthen a splice site. In summary, the available evidence is currently insufficient to determine the role of this variant in disease. Therefore, it has been classified as a Variant of Uncertain Significance.

Ambry Genetics
Classification: Likely benign for Familial thoracic aortic aneurysm and aortic dissection. Last evaluated: 2021-11-19. Review status: criteria provided, single submitter. Criteria: Ambry Variant Classification Scheme 2023. Collection method: clinical testing. Allele origin: germline.